The following is an entry in ClinVar:

ClinVar aggregate classification (germline): Pathogenic/Likely pathogenic. Review status: criteria provided, multiple submitters, no conflicts (2 of 4 stars). 3 submissions from 3 submitters: Pathogenic (1); Likely pathogenic (2). Last evaluated 2025-04-13.

Conditions:
Zellweger spectrum disorders (ZS). Also called: Zellweger syndrome; Zellweger Spectrum Disorder; Zellweger Spectrum; Zellweger Spectrum Disorder (ZSD). Identifiers: Orphanet 912, MedGen C0043459, MONDO:0019609.
Peroxisome biogenesis disorder. Identifiers: Orphanet 79189, MedGen C1832200, MONDO:0019234. Disease mechanism: loss of function.
Heimler syndrome 2 (HMLR2). Also called: PEROXISOME BIOGENESIS DISORDER 4C. Identifiers: Orphanet 3220, MedGen C4225267, OMIM 616617, MONDO:0014709.

Submissions (3):

Natera, Inc.
Classification: Likely pathogenic for Zellweger syndrome. Last evaluated: 2025-04-13. Review status: criteria provided, single submitter. Criteria: Natera Variant Classification Schema (03/2026). Collection method: clinical testing. Allele origin: germline.
Comment: The c.747G>A variant in PEX6 is a nonsense variant predicted to introduce a stop codon at amino acid 249. This variant is expected to result in nonsense mediated decay, truncation, or a dysfunctional protein product. This variant is rare in the general population with a frequency below the threshold expected for the associated phenotype(s). Given the available evidence, this variant is classified as Likely Pathogenic.

Baylor Genetics
Classification: Likely pathogenic for Heimler syndrome 2. Last evaluated: 2024-03-06. Review status: criteria provided, single submitter. Criteria: ACMG Guidelines, 2015. Collection method: clinical testing. Allele origin: unknown.

Labcorp Genetics (formerly Invitae), Labcorp
Classification: Pathogenic for Peroxisome biogenesis disorder. Last evaluated: 2024-02-03. Review status: criteria provided, single submitter. Criteria: Invitae Variant Classification Sherloc (09022015). Collection method: clinical testing. Allele origin: germline.
Comment: This sequence change creates a premature translational stop signal (p.Trp249*) in the PEX6 gene. It is expected to result in an absent or disrupted protein product. Loss-of-function variants in PEX6 are known to be pathogenic (PMID: 10408779, 21031596, 31831025). This variant is not present in population databases (gnomAD no frequency). This variant has not been reported in the literature in individuals affected with PEX6-related conditions. ClinVar contains an entry for this variant (Variation ID: 1073936). For these reasons, this variant has been classified as Pathogenic.

Literature cited by the submitters: PubMed 10408779 (cited by Labcorp Genetics (formerly Invitae), Labcorp); PubMed 21031596 (cited by Labcorp Genetics (formerly Invitae), Labcorp); PubMed 31831025 (cited by Labcorp Genetics (formerly Invitae), Labcorp).

NM_000287.4(PEX6):c.747G>A (p.Trp249Ter)

Gene: PEX6 (peroxisomal biogenesis factor 6; minus strand). Cytogenetic location: 6p21.1.
Variant type: single nucleotide variant.
Coding change: c.747G>A on transcript NM_000287.4 (MANE Select); coding-DNA position 747, G replaced by A.
Protein change: p.Trp249Ter; replaces tryptophan 249 with a stop codon.
Molecular consequence: nonsense. On other transcripts: non-coding transcript variant (1), intron variant (1).
Genome position (GRCh38, 1-based): chr6:42,978,404, C>T on the plus strand (G>A on the coding strand, the complement: PEX6 is on the minus strand). VCF-style: chr6-42978404-C-T. GRCh37 (hg19) VCF-style: chr6-42946142-C-T.
Other names: c.747G>A (NM_000287.3); c.618+129G>A (NM_001316313.2); short protein forms W249*.
Identifiers: ClinVar variation 1073936 (VCV001073936.10), dbSNP rs1770400284, ClinGen allele CA364162342.